The following is an entry in ClinVar:

NM_000168.6(GLI3):c.1497+5G>A

Gene: GLI3 (GLI family zinc finger 3; minus strand). Cytogenetic location: 7p14.1.
Variant type: single nucleotide variant.
Coding change: c.1497+5G>A on transcript NM_000168.6 (MANE Select); 5 bases into the intron after coding-DNA position 1497, G replaced by A.
Molecular consequence: intron variant.
Genome position (GRCh38, 1-based): chr7:42,023,463, C>T on the plus strand (G>A on the coding strand, the complement: GLI3 is on the minus strand). VCF-style: chr7-42023463-C-T. GRCh37 (hg19) VCF-style: chr7-42063062-C-T.
Identifiers: ClinVar variation 1475987 (VCV001475987.8), dbSNP rs2128730749, ClinGen allele CA2573142170.

ClinVar aggregate classification (germline): Uncertain significance. Review status: criteria provided, multiple submitters, no conflicts (2 of 4 stars). 2 submissions from 2 submitters: Uncertain significance (2). Last evaluated 2025-11-14.

Conditions:
Pallister-Hall syndrome (PHS). Also called: HYPOTHALAMIC HAMARTOBLASTOMA, HYPOPITUITARISM, IMPERFORATE ANUS, AND POSTAXIAL POLYDACTYLY; GLI3-Related Pallister-Hall Syndrome. Identifiers: Orphanet 672, MedGen C0265220, MONDO:0007804, OMIM 146510.
Greig cephalopolysyndactyly syndrome (GCPS). Also called: GLI3-Related Greig Cephalopolysyndactyly Syndrome; POLYSYNDACTYLY WITH PECULIAR SKULL SHAPE; Greig syndrome. Identifiers: Orphanet 380, MedGen C0265306, MONDO:0008287, OMIM 175700.

Submissions (2):

GeneDx
Classification: Uncertain significance. Last evaluated: 2025-11-14. Review status: criteria provided, single submitter. Criteria: GeneDx Variant Classification Process June 2021. Collection method: clinical testing. Allele origin: germline. Affected: yes.
Comment: Intronic +5 splice site variant in a gene for which loss of function is a known mechanism of disease, and both splice predictors and evolutionary conservation support a deleterious effect, although in the absence of functional evidence the actual effect of this sequence change is unknown.; Not observed at significant frequency in large population cohorts (gnomAD); Has not been previously published as pathogenic or benign to our knowledge

Labcorp Genetics (formerly Invitae), Labcorp
Classification: Uncertain significance for Pallister-Hall syndrome; Greig cephalopolysyndactyly syndrome. Last evaluated: 2023-08-17. Review status: criteria provided, single submitter. Criteria: Invitae Variant Classification Sherloc (09022015). Collection method: clinical testing. Allele origin: germline.
Comment: This variant has been observed in individual(s) with clinical features of Greig cephalopolysyndactyly syndrome (Invitae). This variant is not present in population databases (gnomAD no frequency). This sequence change falls in intron 10 of the GLI3 gene. It does not directly change the encoded amino acid sequence of the GLI3 protein. It affects a nucleotide within the consensus splice site. In summary, the available evidence is currently insufficient to determine the role of this variant in disease. Therefore, it has been classified as a Variant of Uncertain Significance. Variants that disrupt the consensus splice site are a relatively common cause of aberrant splicing (PMID: 17576681, 9536098). Algorithms developed to predict the effect of sequence changes on RNA splicing suggest that this variant may disrupt the consensus splice site. ClinVar contains an entry for this variant (Variation ID: 1475987).

Literature cited by the submitters: PubMed 17576681 (cited by Labcorp Genetics (formerly Invitae), Labcorp); PubMed 9536098 (cited by Labcorp Genetics (formerly Invitae), Labcorp).